The following is an entry in ClinVar:

NM_002857.4(PEX19):c.553A>G (p.Lys185Glu)

Gene: PEX19 (peroxisomal biogenesis factor 19; minus strand). Cytogenetic location: 1q23.2.
Variant type: single nucleotide variant.
Coding change: c.553A>G on transcript NM_002857.4 (MANE Select); coding-DNA position 553, A replaced by G.
Protein change: p.Lys185Glu; replaces lysine 185 with glutamic acid.
Molecular consequence: missense variant. On other transcripts: non-coding transcript variant (2).
Genome position (GRCh38, 1-based): chr1:160,282,080, T>C on the plus strand (A>G on the coding strand, the complement: PEX19 is on the minus strand). VCF-style: chr1-160282080-T-C. GRCh37 (hg19) VCF-style: chr1-160251870-T-C.
Other names: c.553A>G, p.Lys185Glu (NM_001193644.1); short protein forms K185E.
Identifiers: ClinVar variation 1461006 (VCV001461006.3), dbSNP rs765741144, ClinGen allele CA1197322.

ClinVar aggregate classification (germline): Uncertain significance (1 of 4 stars; one submission).

Conditions:
Peroxisome biogenesis disorder 12A (Zellweger). Also called: Peroxisome biogenesis disorder 12A. Identifiers: Orphanet 912, MedGen C3554002, MONDO:0013951, OMIM 614886.

Allele frequency attached by ClinVar (database versions not stated): gnomAD exomes 0.00001 and 0.00002; ExAC 0.00002.

Submission:

Labcorp Genetics (formerly Invitae), Labcorp
Classification: Uncertain significance for Peroxisome biogenesis disorder 12A (Zellweger). Last evaluated: 2021-12-27. Review status: criteria provided, single submitter. Criteria: Invitae Variant Classification Sherloc (09022015). Collection method: clinical testing. Allele origin: germline.
Comment: This sequence change replaces lysine, which is basic and polar, with glutamic acid, which is acidic and polar, at codon 185 of the PEX19 protein (p.Lys185Glu). This variant is present in population databases (rs765741144, gnomAD 0.003%). This variant has not been reported in the literature in individuals affected with PEX19-related conditions. Algorithms developed to predict the effect of missense changes on protein structure and function are either unavailable or do not agree on the potential impact of this missense change (SIFT: "Tolerated"; PolyPhen-2: "Probably Damaging"; Align-GVGD: "Class C0"). In summary, the available evidence is currently insufficient to determine the role of this variant in disease. Therefore, it has been classified as a Variant of Uncertain Significance.